The following is an entry in ClinVar:

ClinVar aggregate classification (germline): Likely benign. Review status: criteria provided, multiple submitters, no conflicts (2 of 4 stars). 3 submissions from 3 submitters: Likely benign (2). 1 of the submissions does not count toward it.

Conditions:
Bardet-Biedl syndrome (BBS). Identifiers: Orphanet 110, MedGen C0752166, MONDO:0015229.

Allele frequency attached by ClinVar (database versions not stated): 1000 Genomes Project 0.05691; 1000 Genomes Project 30x 0.05934; gnomAD exomes 0.08135 and 0.11332; TOPMed 0.08300; gnomAD 0.08471 and 0.08550; ExAC 0.09510; ESP Exome Variant Server 0.09888.
gnomAD v4.1: 165,491 of 1,501,516 alleles (11%); highest among the groups gnomAD compares: Non-Finnish European, 13%; 10,093 homozygotes.

Submissions (3):

Breakthrough Genomics
Classification: Likely benign. Review status: criteria provided, single submitter. Criteria: ACMG Guidelines, 2015. Collection method: not provided. Allele origin: germline. Inheritance: Autosomal recessive inheritance. Affected: yes.

PreventionGenetics, part of Exact Sciences
Classification: Likely benign. Review status: criteria provided, single submitter. Criteria: ACMG Guidelines, 2015. Collection method: clinical testing. Allele origin: germline.

GeneReviews
Classification: Benign for Bardet-Biedl Syndrome. Last evaluated: 2009-10-13. Review status: no assertion criteria provided. Collection method: curation. Allele origin: unknown. Not counted in ClinVar's aggregate classification.
ClinVar note: Converted during submission from benign to Benign.

NM_033028.5(BBS4):c.1451-45T>C

Gene: BBS4 (Bardet-Biedl syndrome 4; plus strand). Cytogenetic location: 15q24.1.
Variant type: single nucleotide variant.
Coding change: c.1451-45T>C on transcript NM_033028.5 (MANE Select); 45 bases into the intron before coding-DNA position 1451, T replaced by C.
Molecular consequence: intron variant.
Genome position (GRCh38, 1-based): chr15:72,737,433, T>C. VCF-style: chr15-72737433-T-C. GRCh37 (hg19) VCF-style: chr15-73029774-T-C.
Other names: c.1382-45T>C (NM_001320665.2); c.935-45T>C (NM_001252678.2).
Identifiers: ClinVar variation 21732 (VCV000021732.5), dbSNP rs75847960, ClinGen allele CA342425.